The following is an entry in ClinVar:

NM_133379.5(TTN):c.13748_13751del (p.Ile4583fs)

Gene: TTN (titin; minus strand). Cytogenetic location: 2q31.2.
Variant type: Deletion.
Coding change: c.13748_13751del on transcript NM_133379.5; coding-DNA positions 13748 to 13751, 4 bases deleted (TAAA; older notation c.13748_13751delTAAA).
Protein change: p.Ile4583fs; shifts the reading frame from isoleucine 4583.
Molecular consequence: frameshift variant. On other transcripts: intron variant (6).
Genome position (GRCh38, 1-based): chr2:178,748,649-178,748,652, TTTA deleted on the plus strand (TAAA on the coding strand, the reverse complement: TTN is on the minus strand); deleting any 4 consecutive bases within chr2:178,748,649-178,748,655 gives the same sequence; the c. name uses the placement nearest the transcript's 3' end. VCF-style (leftmost placement, unchanged base first): chr2-178748648-TTTTA-T. GRCh37 (hg19) VCF-style: chr2-179613375-TTTTA-T.
Other names: c.10222+4472_10222+4475del (NM_003319.4); c.10798+4472_10798+4475del (NM_133437.4); c.10597+4472_10597+4475del (NM_133432.3); c.10360+4472_10360+4475del (NM_133378.4, NM_001256850.1); c.11311+4472_11311+4475del (NM_001267550.2); short protein forms I4583fs.
Identifiers: ClinVar variation 1677641 (VCV001677641.3), dbSNP rs1460696675, ClinGen allele CA538437992.

ClinVar aggregate classification (germline): Uncertain significance. Review status: criteria provided, multiple submitters, no conflicts (2 of 4 stars). 3 submissions from 3 submitters: Uncertain significance (3). Last evaluated 2025-07-24.

Conditions:
Cardiovascular phenotype. Identifiers: MedGen CN230736.
Hypertrophic cardiomyopathy 9. Also called: Familial hypertrophic cardiomyopathy 9. Identifiers: MedGen C1861065, MONDO:0013412, OMIM 613765.
Dilated cardiomyopathy 1G (CMD1G). Identifiers: Orphanet 154, MedGen C1858763, MONDO:0011400, OMIM 604145.
Tibial muscular dystrophy (TMD). Also called: Udd Distal Myopathy – Tibial Muscular Dystrophy; UDD MYOPATHY; Tibial muscular dystrophy, tardive. Identifiers: Orphanet 609, MedGen C1838244, MONDO:0010870, OMIM 600334.
Early-onset myopathy with fatal cardiomyopathy (CMYO5). Also called: Salih Myopathy; CONGENITAL MYOPATHY 5 WITH CARDIOMYOPATHY. Identifiers: Orphanet 289377, MedGen C2673677, MONDO:0012714, OMIM 611705. Disease mechanism: loss of function.
Myopathy, myofibrillar, 9, with early respiratory failure (MFM9). Also called: EDSTROM MYOPATHY; MYOPATHY, PROXIMAL, WITH EARLY RESPIRATORY MUSCLE INVOLVEMENT; Hereditary myopathy with early respiratory failure; Myopathy, distal, with early respiratory failure, autosomal dominant. Identifiers: Orphanet 178464, Orphanet 34521, MedGen C1863599, MONDO:0011362, OMIM 603689.
Autosomal recessive limb-girdle muscular dystrophy type 2J (LGMDR10). Also called: Limb-girdle muscular dystrophy, type 2J; MUSCULAR DYSTROPHY, LIMB-GIRDLE, AUTOSOMAL RECESSIVE 10. Identifiers: Orphanet 140922, MedGen C1837342, MONDO:0012127, OMIM 608807.

Submissions (3):

Molecular Diagnostic Laboratory for Inherited Cardiovascular Disease, Montreal Heart Institute
Classification: Uncertain significance for Cardiovascular phenotype. Last evaluated: 2025-07-24. Review status: criteria provided, single submitter. Criteria: ACMG Guidelines, 2015. Collection method: clinical testing. Allele origin: germline. Affected: yes.
Comment: PVS1_mod, PM2

AiLife Diagnostics
Classification: Uncertain significance. Last evaluated: 2021-11-18. Review status: criteria provided, single submitter. Criteria: ACMG Guidelines, 2015. Collection method: clinical testing. Allele origin: germline. Affected: yes. Observed: 1 variant allele.

Fulgent Genetics
Classification: Uncertain significance for Tibial muscular dystrophy; Myopathy, myofibrillar, 9, with early respiratory failure; Dilated cardiomyopathy 1G; Autosomal recessive limb-girdle muscular dystrophy type 2J; Early-onset myopathy with fatal cardiomyopathy; Hypertrophic cardiomyopathy 9. Last evaluated: 2021-08-18. Review status: criteria provided, single submitter. Criteria: ACMG Guidelines, 2015. Collection method: clinical testing. Allele origin: unknown.